The following is an entry in ClinVar:

ClinVar aggregate classification (germline): Uncertain significance (1 of 4 stars; one submission).

Submission:

Women's Health and Genetics/Laboratory Corporation of America, LabCorp
Classification: Uncertain significance. Last evaluated: 2020-01-14. Review status: criteria provided, single submitter. Criteria: LabCorp Variant Classification Summary - May 2015. Collection method: clinical testing. Allele origin: germline.
Comment: Variant summary: MSH6 c.3574G>C (p.Val1192Leu) results in a conservative amino acid change located in the C-terminal domain (IPR000432) of the encoded protein sequence. Three of five in-silico tools predict a damaging effect of the variant on protein function. The variant was absent in 251392 control chromosomes (gnomAD). The available data on variant occurrences in the general population are insufficient to allow any conclusion about variant significance. To our knowledge, no occurrence of c.3574G>C in individuals affected with Lynch Syndrome and no experimental evidence demonstrating its impact on protein function have been reported. No clinical diagnostic laboratories have submitted clinical-significance assessments for this variant to ClinVar after 2014. Based on the evidence outlined above, the variant was classified as uncertain significance.

NM_000179.3(MSH6):c.3574G>C (p.Val1192Leu)

Gene: MSH6 (mutS homolog 6; plus strand). Cytogenetic location: 2p16.3.
Variant type: single nucleotide variant.
Coding change: c.3574G>C on transcript NM_000179.3 (MANE Select); coding-DNA position 3574, G replaced by C.
Protein change: p.Val1192Leu; replaces valine 1192 with leucine.
Molecular consequence: missense variant.
Genome position (GRCh38, 1-based): chr2:47,805,635, G>C. VCF-style: chr2-47805635-G-C. GRCh37 (hg19) VCF-style: chr2-48032774-G-C.
Other names: c.3184G>C, p.Val1062Leu (NM_001281492.2); c.2668G>C, p.Val890Leu (NM_001281493.2, NM_001281494.2); short protein forms V1192L, V1062L, V890L.
Identifiers: ClinVar variation 917576 (VCV000917576.1), dbSNP rs1669959178, ClinGen allele CA346760498.